The following is an entry in ClinVar:

ClinVar aggregate classification (germline): Uncertain significance (1 of 4 stars; one submission).

Conditions:
Epileptic encephalopathy. Identifiers: MedGen C0543888, HP:0200134.

Allele frequency attached by ClinVar (database versions not stated): gnomAD 0.00001 and 0.00003; TOPMed 0.00002; gnomAD exomes 0.00005 and 0.00015; ESP Exome Variant Server 0.00008; ExAC 0.00053.
gnomAD v4.1: 79 of 1,554,878 alleles (0.0051%); highest among the groups gnomAD compares: South Asian, 0.07%; no homozygotes.

Submission:

Labcorp Genetics (formerly Invitae), Labcorp
Classification: Uncertain significance for Epileptic encephalopathy. Last evaluated: 2024-07-25. Review status: criteria provided, single submitter. Criteria: Invitae Variant Classification Sherloc (09022015). Collection method: clinical testing. Allele origin: germline.
Comment: This sequence change replaces arginine, which is basic and polar, with cysteine, which is neutral and slightly polar, at codon 1666 of the FASN protein (p.Arg1666Cys). This variant is present in population databases (rs377037839, gnomAD 0.07%), and has an allele count higher than expected for a pathogenic variant. This variant has not been reported in the literature in individuals affected with FASN-related conditions. ClinVar contains an entry for this variant (Variation ID: 531054). An algorithm developed to predict the effect of missense changes on protein structure and function (PolyPhen-2) suggests that this variant is likely to be disruptive. In summary, the available evidence is currently insufficient to determine the role of this variant in disease. Therefore, it has been classified as a Variant of Uncertain Significance.

NM_004104.5(FASN):c.4996C>T (p.Arg1666Cys)

Gene: FASN (fatty acid synthase; minus strand). Cytogenetic location: 17q25.3.
Variant type: single nucleotide variant.
Coding change: c.4996C>T on transcript NM_004104.5 (MANE Select); coding-DNA position 4996, C replaced by T.
Protein change: p.Arg1666Cys; replaces arginine 1666 with cysteine.
Molecular consequence: missense variant.
Genome position (GRCh38, 1-based): chr17:82,084,077, G>A on the plus strand (C>T on the coding strand, the complement: FASN is on the minus strand). VCF-style: chr17-82084077-G-A. GRCh37 (hg19) VCF-style: chr17-80041953-G-A.
Other names: short protein forms R1666C.
Identifiers: ClinVar variation 531054 (VCV000531054.8), dbSNP rs377037839, ClinGen allele CA8851866.